The following is an entry in ClinVar:

ClinVar aggregate classification (germline): Uncertain significance (1 of 4 stars; one submission).

Conditions:
Familial sleep-related hypermotor epilepsy. Also called: Autosomal Dominant Sleep-Related Hypermotor (Hyperkinetic) Epilepsy. Identifiers: Orphanet 98784, MedGen C3696898, MONDO:0000030.

Submission:

Labcorp Genetics (formerly Invitae), Labcorp
Classification: Uncertain significance. Last evaluated: 2024-12-03. Review status: criteria provided, single submitter. Criteria: Invitae Variant Classification Sherloc (09022015). Collection method: clinical testing. Allele origin: germline.
Comment: This sequence change creates a premature translational stop signal (p.Ala394Cysfs*24) in the CHRNA4 gene. It is expected to result in an absent or disrupted protein product. However, the current clinical and genetic evidence is not sufficient to establish whether loss-of-function variants in CHRNA4 cause disease. This variant is present in population databases (no rsID available, gnomAD 0.001%). This variant has not been reported in the literature in individuals affected with CHRNA4-related conditions. ClinVar contains an entry for this variant (Variation ID: 477000). In summary, the available evidence is currently insufficient to determine the role of this variant in disease. Therefore, it has been classified as a Variant of Uncertain Significance.

NM_000744.7(CHRNA4):c.1178dup (p.Ala394fs)

Gene: CHRNA4 (cholinergic receptor nicotinic alpha 4 subunit; minus strand). Cytogenetic location: 20q13.33.
Variant type: Duplication.
Coding change: c.1178dup on transcript NM_000744.7 (MANE Select); coding-DNA position 1178, one base duplicated (C; older notation c.1178dupC).
Protein change: p.Ala394fs; shifts the reading frame from alanine 394.
Molecular consequence: frameshift variant. On other transcripts: non-coding transcript variant (1).
Genome position (GRCh38, 1-based): chr20:63,350,233, G duplicated on the plus strand (C on the coding strand, the reverse complement: CHRNA4 is on the minus strand); the first of 5 consecutive G bases (chr20:63,350,233-63,350,237); duplicating any one gives the same sequence. VCF-style (leftmost placement, unchanged base first): chr20-63350232-A-AG. GRCh37 (hg19) VCF-style: chr20-61981584-A-AG.
Other names: c.650dup, p.Ala218fs (NM_001256573.2); c.1178dupC (NM_000744.6); short protein forms A218fs, A394fs.
Identifiers: ClinVar variation 477000 (VCV000477000.8), dbSNP rs1435638963, ClinGen allele CA636613623.